The following is an entry in ClinVar:

ClinVar aggregate classification (germline): Benign/Likely benign. Review status: criteria provided, multiple submitters, no conflicts (2 of 4 stars). 7 submissions from 7 submitters: Benign (3); Likely benign (4). Last evaluated 2026-02-03.

Conditions:
Inborn genetic diseases. Identifiers: MedGen C0950123, MeSH D030342.
Landau-Kleffner syndrome (FESD). Also called: APHASIA, ACQUIRED, WITH EPILEPSY; EPILEPSY, FOCAL, WITH SPEECH DISORDER AND WITH OR WITHOUT MENTAL RETARDATION. Identifiers: Orphanet 1945, Orphanet 725, Orphanet 98818, MedGen C0282512, MONDO:0009509, OMIM 245570.

Allele frequency attached by ClinVar (database versions not stated): 1000 Genomes Project 0.00020; 1000 Genomes Project 30x 0.00031; ExAC 0.00034; gnomAD 0.00108 and 0.00119; TOPMed 0.00136; ESP Exome Variant Server 0.00146.
gnomAD v4.1: 391 of 1,614,036 alleles (0.024%); highest among the groups gnomAD compares: African/African-American, 0.38%; 2 homozygotes.

Submissions (7):

Labcorp Genetics (formerly Invitae), Labcorp
Classification: Benign for Landau-Kleffner syndrome. Last evaluated: 2026-02-03. Review status: criteria provided, single submitter. Criteria: Invitae Variant Classification Sherloc (09022015). Collection method: clinical testing. Allele origin: germline.

Blueprint Genetics
Classification: Likely benign. Last evaluated: 2024-11-25. Review status: criteria provided, single submitter. Criteria: ACMG Guidelines, 2015. Collection method: clinical testing. Allele origin: germline.

CeGaT Center for Human Genetics Tuebingen
Classification: Likely benign. Last evaluated: 2023-09-01. Review status: criteria provided, single submitter. Criteria: CeGaT Center For Human Genetics Tuebingen Variant Classification Criteria Version 2. Collection method: clinical testing. Allele origin: germline. Affected: yes. Observed: 2 variant alleles.
Comment: GRIN2A: BP4, BP7, BS1

Illumina Laboratory Services, Illumina
Classification: Benign for Landau-Kleffner syndrome. Last evaluated: 2018-01-12. Review status: criteria provided, single submitter. Criteria: ICSL Variant Classification Criteria 13 December 2019. Collection method: clinical testing. Allele origin: germline.
Comment: This variant was observed in the ICSL laboratory as part of a predisposition screen in an ostensibly healthy population. It had not been previously curated by ICSL or reported in the Human Gene Mutation Database (HGMD: prior to June 1st, 2018), and was therefore a candidate for classification through an automated scoring system. Utilizing variant allele frequency, disease prevalence and penetrance estimates, and inheritance mode, an automated score was calculated to assess if this variant is too frequent to cause the disease. Based on the score and internal cut-off values, a variant classified as benign is not then subjected to further curation. The score for this variant resulted in a classification of benign for this disease.

Ambry Genetics
Classification: Likely benign for Inborn genetic diseases. Last evaluated: 2017-01-09. Review status: criteria provided, single submitter. Criteria: Ambry Variant Classification Scheme 2023. Collection method: clinical testing. Allele origin: germline.

Eurofins Ntd Llc (ga)
Classification: Likely benign. Last evaluated: 2014-11-11. Review status: criteria provided, single submitter. Criteria: EGL Classification Definitions 2015. Collection method: clinical testing. Allele origin: germline. Observed: 1 variant allele, 1 heterozygote.

GeneDx
Classification: Benign. Last evaluated: 2014-04-04. Review status: criteria provided, single submitter. Criteria: GeneDx Variant Classification (06012015). Collection method: clinical testing. Allele origin: germline. Affected: yes.
Comment: This variant is considered likely benign or benign based on one or more of the following criteria: it is a conservative change, it occurs at a poorly conserved position in the protein, it is predicted to be benign by multiple in silico algorithms, and/or has population frequency not consistent with disease.

NM_001134407.3(GRIN2A):c.903C>T (p.Thr301=)

Gene: GRIN2A (glutamate ionotropic receptor NMDA type subunit 2A; minus strand). Cytogenetic location: 16p13.2.
Variant type: single nucleotide variant.
Coding change: c.903C>T on transcript NM_001134407.3 (MANE Select); coding-DNA position 903, C replaced by T.
Protein change: p.Thr301=; no amino-acid change (threonine 301 retained).
Molecular consequence: synonymous variant.
Genome position (GRCh38, 1-based): chr16:9,938,063, G>A on the plus strand (C>T on the coding strand, the complement: GRIN2A is on the minus strand). VCF-style: chr16-9938063-G-A. GRCh37 (hg19) VCF-style: chr16-10031920-G-A.
Other names: p.T301T:ACC>ACT; c.903C>T, p.Thr301= (NM_000833.5, NM_001134408.2).
Identifiers: ClinVar variation 137506 (VCV000137506.47), dbSNP rs78241448, ClinGen allele CA302976.